The following is an entry in ClinVar:

NM_000135.4(FANCA):c.4354C>T (p.Pro1452Ser)

Genes: FANCA (FA complementation group A; minus strand), ZNF276 (zinc finger protein 276; plus strand). Cytogenetic location: 16q24.3.
Variant type: single nucleotide variant.
Coding change: c.4354C>T on transcript NM_000135.4 (MANE Select); coding-DNA position 4354, C replaced by T.
Protein change: p.Pro1452Ser; replaces proline 1452 with serine.
Molecular consequence: missense variant. On other transcripts: 3 prime UTR variant (3), non-coding transcript variant (4).
Genome position (GRCh38, 1-based): chr16:89,738,615, G>A on the plus strand (C>T on the coding strand, the complement: FANCA is on the minus strand). VCF-style: chr16-89738615-G-A. GRCh37 (hg19) VCF-style: chr16-89805023-G-A.
Other names: c.*83C>T (NM_001286167.3); c.*369G>A (NM_001113525.2, NM_152287.4); short protein forms P1452S.
Identifiers: ClinVar variation 1447111 (VCV001447111.9), dbSNP rs1489574740, ClinGen allele CA397482978.

ClinVar aggregate classification (germline): Uncertain significance. Review status: criteria provided, multiple submitters, no conflicts (2 of 4 stars). 2 submissions from 2 submitters: Uncertain significance (2). Last evaluated 2025-05-27.

Conditions:
Inborn genetic diseases. Identifiers: MedGen C0950123, MeSH D030342.
Fanconi anemia (FA). Also called: Fanconi's anemia. Identifiers: Orphanet 84, MedGen C0015625, MeSH D005199, MONDO:0019391.

Submissions (2):

Ambry Genetics
Classification: Uncertain significance for Inborn genetic diseases. Last evaluated: 2025-05-27. Review status: criteria provided, single submitter. Criteria: Ambry Variant Classification Scheme 2023. Collection method: clinical testing. Allele origin: germline.
Comment: The p.P1452S variant (also known as c.4354C>T), located in coding exon 43 of the FANCA gene, results from a C to T substitution at nucleotide position 4354. The proline at codon 1452 is replaced by serine, an amino acid with similar properties. This amino acid position is conserved. In addition, the in silico prediction for this alteration is inconclusive. Based on the available evidence, the clinical significance of this variant remains unclear.

Labcorp Genetics (formerly Invitae), Labcorp
Classification: Uncertain significance for Fanconi anemia. Last evaluated: 2021-05-02. Review status: criteria provided, single submitter. Criteria: Invitae Variant Classification Sherloc (09022015). Collection method: clinical testing. Allele origin: germline.
Comment: This sequence change replaces proline with serine at codon 1452 of the FANCA protein (p.Pro1452Ser). The proline residue is moderately conserved and there is a moderate physicochemical difference between proline and serine. This variant is not present in population databases (ExAC no frequency). This variant has not been reported in the literature in individuals with FANCA-related conditions. Algorithms developed to predict the effect of missense changes on protein structure and function are either unavailable or do not agree on the potential impact of this missense change (SIFT: "Deleterious"; PolyPhen-2: "Possibly Damaging"; Align-GVGD: "Class C0"). In summary, the available evidence is currently insufficient to determine the role of this variant in disease. Therefore, it has been classified as a Variant of Uncertain Significance.